The following is an entry in ClinVar:

NM_006015.6(ARID1A):c.3970T>A (p.Tyr1324Asn)

Gene: ARID1A (AT-rich interaction domain 1A; plus strand). Cytogenetic location: 1p36.11.
Variant type: single nucleotide variant.
Coding change: c.3970T>A on transcript NM_006015.6 (MANE Select); coding-DNA position 3970, T replaced by A.
Protein change: p.Tyr1324Asn; replaces tyrosine 1324 with asparagine.
Molecular consequence: missense variant.
Genome position (GRCh38, 1-based): chr1:26,773,683, T>A. VCF-style: chr1-26773683-T-A. GRCh37 (hg19) VCF-style: chr1-27100174-T-A.
Other names: c.3970T>A, p.Tyr1324Asn (NM_139135.4); short protein forms Y1324N.
Identifiers: ClinVar variation 2827457 (VCV002827457.3), dbSNP rs2124113473, ClinGen allele CA339171342.
Genomic context (GRCh38, chr1:26,773,683, plus strand): 5'-GCCCCACAGCCGAATCTCATGCCTTCCAACCCAGACTCGGGGATGTATTCTCCTAGCCGC[T>A]ACCCCCCGCAGCAGCAGCAGCAGCAGCAGCAACGGTGAGTAAAGCCTGGTCTCGGTGCTG-3'
Protein context (NP_006006.3, residues 1314-1334): PDSGMYSPSR[Tyr1324Asn]PPQQQQQQQQ

ClinVar aggregate classification (germline): Uncertain significance (1 of 4 stars; one submission).

Submission:

Labcorp Genetics (formerly Invitae), Labcorp
Classification: Uncertain significance. Last evaluated: 2023-01-10. Review status: criteria provided, single submitter. Criteria: Invitae Variant Classification Sherloc (09022015). Collection method: clinical testing. Allele origin: germline.
Comment: In summary, the available evidence is currently insufficient to determine the role of this variant in disease. Therefore, it has been classified as a Variant of Uncertain Significance. Advanced modeling of protein sequence and biophysical properties (such as structural, functional, and spatial information, amino acid conservation, physicochemical variation, residue mobility, and thermodynamic stability) performed at Invitae indicates that this missense variant is not expected to disrupt ARID1A protein function. This variant has not been reported in the literature in individuals affected with ARID1A-related conditions. This variant is not present in population databases (gnomAD no frequency). This sequence change replaces tyrosine, which is neutral and polar, with asparagine, which is neutral and polar, at codon 1324 of the ARID1A protein (p.Tyr1324Asn).